The following is an entry in ClinVar:

ClinVar aggregate classification (germline): Uncertain significance. Review status: criteria provided, multiple submitters, no conflicts (2 of 4 stars). 2 submissions from 2 submitters: Uncertain significance (2). Last evaluated 2025-06-29.

Conditions:
Neurofibromatosis, type 1 (NF1). Also called: NEUROFIBROMATOSIS, TYPE I, SOMATIC; Neurofibromatosis, type I; VON RECKLINGHAUSEN DISEASE; Peripheral type neurofibromatosis. Identifiers: Orphanet 636, MedGen C0027831, MONDO:0018975, OMIM 162200. Disease mechanism: loss of function.
Cardiovascular phenotype. Identifiers: MedGen CN230736.
Hereditary cancer-predisposing syndrome. Also called: Neoplastic Syndromes, Hereditary; Tumor predisposition; Hereditary Cancer Syndrome; Hereditary neoplastic syndrome. Identifiers: Orphanet 140162, MedGen C0027672, MeSH D009386, MONDO:0015356.

gnomAD v4.1: 1 of 1,613,682 alleles (0.000062%); highest among the groups gnomAD compares: African/African-American, 0.0013%; no homozygotes.

Submissions (2):

Labcorp Genetics (formerly Invitae), Labcorp
Classification: Uncertain significance for Neurofibromatosis, type 1. Last evaluated: 2025-06-29. Review status: criteria provided, single submitter. Criteria: Invitae Variant Classification Sherloc (09022015). Collection method: clinical testing. Allele origin: germline.
Comment: This sequence change affects codon 1116 of the NF1 mRNA. It is a 'silent' change, meaning that it does not change the encoded amino acid sequence of the NF1 protein. This variant is not present in population databases (gnomAD no frequency). This variant has not been reported in the literature in individuals affected with NF1-related conditions. Algorithms developed to predict the effect of sequence changes on RNA splicing suggest that this variant may disrupt the consensus splice site. In summary, the available evidence is currently insufficient to determine the role of this variant in disease. Therefore, it has been classified as a Variant of Uncertain Significance.

Ambry Genetics
Classification: Uncertain significance for Cardiovascular phenotype; Hereditary cancer-predisposing syndrome. Last evaluated: 2025-03-26. Review status: criteria provided, single submitter. Criteria: Ambry Variant Classification Scheme 2023. Collection method: clinical testing. Allele origin: germline.
Comment: The c.3348C>T variant (also known as p.D1116D), located in coding exon 26 of the NF1 gene, results from a C to T substitution at nucleotide position 3348. This nucleotide substitution does not change the aspartate at codon 1116. This nucleotide position is highly conserved in available vertebrate species. In silico splice site analysis predicts that this alteration may weaken the native splice acceptor site and may result in the creation or strengthening of a novel splice acceptor site. Based on the available evidence, the clinical significance of this variant remains unclear.

NM_001042492.3(NF1):c.3348C>T (p.Asp1116=)

Gene: NF1 (neurofibromin 1; plus strand). Cytogenetic location: 17q11.2.
Variant type: single nucleotide variant.
Coding change: c.3348C>T on transcript NM_001042492.3 (MANE Select); coding-DNA position 3348, C replaced by T.
Protein change: p.Asp1116=; no amino-acid change (aspartic acid 1116 retained).
Molecular consequence: synonymous variant.
Genome position (GRCh38, 1-based): chr17:31,232,733, C>T. VCF-style: chr17-31232733-C-T. GRCh37 (hg19) VCF-style: chr17-29559751-C-T.
Other names: c.3348C>T, p.Asp1116= (NM_000267.4).
Identifiers: ClinVar variation 4013545 (VCV004013545.2).